The following is an entry in ClinVar:

NM_006739.4(MCM5):c.1858G>A (p.Ala620Thr)

Gene: MCM5 (minichromosome maintenance complex component 5; plus strand). Cytogenetic location: 22q12.3.
Variant type: single nucleotide variant.
Coding change: c.1858G>A on transcript NM_006739.4 (MANE Select); coding-DNA position 1858, G replaced by A.
Protein change: p.Ala620Thr; replaces alanine 620 with threonine.
Molecular consequence: missense variant.
Genome position (GRCh38, 1-based): chr22:35,421,343, G>A. VCF-style: chr22-35421343-G-A. GRCh37 (hg19) VCF-style: chr22-35817336-G-A.
Other names: c.1858G>A (NM_006739.3); short protein forms A620T.
Identifiers: ClinVar variation 2421755 (VCV002421755.7), dbSNP rs758168847, ClinGen allele CA10205547.

ClinVar aggregate classification (germline): Uncertain significance. Review status: criteria provided, multiple submitters, no conflicts (2 of 4 stars). 2 submissions from 2 submitters: Uncertain significance (2). Last evaluated 2025-06-23.

Allele frequency attached by ClinVar (database versions not stated): ExAC 0.00001; gnomAD 0.00001; TOPMed 0.00004.
gnomAD v4.1: 18 of 1,613,574 alleles (0.0011%); highest among the groups gnomAD compares: Admixed American, 0.012%; no homozygotes.

Submissions (2):

Labcorp Genetics (formerly Invitae), Labcorp
Classification: Uncertain significance. Last evaluated: 2025-06-23. Review status: criteria provided, single submitter. Criteria: Invitae Variant Classification Sherloc (09022015). Collection method: clinical testing. Allele origin: germline.
Comment: This sequence change replaces alanine, which is neutral and non-polar, with threonine, which is neutral and polar, at codon 620 of the MCM5 protein (p.Ala620Thr). This variant is present in population databases (rs758168847, gnomAD 0.01%). This variant has not been reported in the literature in individuals affected with MCM5-related conditions. ClinVar contains an entry for this variant (Variation ID: 2421755). Invitae Evidence Modeling of protein sequence and biophysical properties (such as structural, functional, and spatial information, amino acid conservation, physicochemical variation, residue mobility, and thermodynamic stability) indicates that this missense variant is not expected to disrupt MCM5 protein function with a negative predictive value of 80%. In summary, the available evidence is currently insufficient to determine the role of this variant in disease. Therefore, it has been classified as a Variant of Uncertain Significance.

Ambry Genetics
Classification: Uncertain significance. Last evaluated: 2023-09-20. Review status: criteria provided, single submitter. Criteria: Ambry Variant Classification Scheme 2023. Collection method: clinical testing. Allele origin: germline.